The following is an entry in ClinVar:

NM_012233.3(RAB3GAP1):c.67T>C (p.Trp23Arg)

Gene: RAB3GAP1 (RAB3 GTPase activating protein catalytic subunit 1; plus strand). Cytogenetic location: 2q21.3.
Variant type: single nucleotide variant.
Coding change: c.67T>C on transcript NM_012233.3 (MANE Select); coding-DNA position 67, T replaced by C.
Protein change: p.Trp23Arg; replaces tryptophan 23 with arginine.
Molecular consequence: missense variant.
Genome position (GRCh38, 1-based): chr2:135,052,478, T>C. VCF-style: chr2-135052478-T-C. GRCh37 (hg19) VCF-style: chr2-135810048-T-C.
Other names: c.67T>C, p.Trp23Arg (NM_001172435.2); short protein forms W23R.
Identifiers: ClinVar variation 4854437 (VCV004854437.1).

ClinVar aggregate classification (germline): Uncertain significance (1 of 4 stars; one submission).

Conditions:
RAB3GAP1-related disorder. Also called: RAB3GAP1-related condition; RAB3GAP1-related disorders.

gnomAD v4.1: 1 of 1,613,622 alleles (0.000062%); highest among the groups gnomAD compares: East Asian, 0.0022%; no homozygotes.

Submission:

3billion
Classification: Uncertain significance for RAB3GAP1-related disorder. Last evaluated: 2025-09-17. Review status: criteria provided, single submitter. Criteria: ACMG Guidelines, 2015. Collection method: clinical testing. Allele origin: germline. Affected: yes.
Comment: The variant is observed at an extremely low frequency in the gnomAD v4.1.0 dataset (total allele frequency: <0.001%). Predicted Consequence/Location: Missense variant. The majority of the known disease-causing variants of this gene are variants expected to result in premature termination of the protein. In silico tool predictions suggest damaging effect of the variant on gene or gene product [REVEL: 0.65 (>=0.6, sensitivity 0.68 and specificity 0.92)]. Therefore, this variant is classified as VUS according to the recommendation of ACMG/AMP guideline.